The following is an entry in ClinVar:

ClinVar aggregate classification (germline): Conflicting classifications of pathogenicity. Review status: criteria provided, conflicting classifications (1 of 4 stars). 7 submissions from 7 submitters: Uncertain significance (6); Likely benign (1). Last evaluated 2024-09-28.

Conditions:
BARD1-related disorder. Also called: BARD1-related condition.
Hereditary cancer-predisposing syndrome. Also called: Neoplastic Syndromes, Hereditary; Tumor predisposition; Hereditary Cancer Syndrome; Hereditary neoplastic syndrome. Identifiers: Orphanet 140162, MedGen C0027672, MeSH D009386, MONDO:0015356.
Familial cancer of breast. Also called: BREAST CANCER, FAMILIAL; Hereditary breast cancer; hereditary breast carcinoma. Identifiers: Orphanet 227535, MedGen C0346153, MONDO:0016419, OMIM 114480. Disease mechanism: loss of function.

Allele frequency attached by ClinVar (database versions not stated): gnomAD exomes 0.00001.

Submissions (7):

Labcorp Genetics (formerly Invitae), Labcorp
Classification: Uncertain significance for Familial cancer of breast. Last evaluated: 2024-09-28. Review status: criteria provided, single submitter. Criteria: Invitae Variant Classification Sherloc (09022015). Collection method: clinical testing. Allele origin: germline.
Comment: This sequence change replaces arginine, which is basic and polar, with glutamine, which is neutral and polar, at codon 112 of the BARD1 protein (p.Arg112Gln). This variant is present in population databases (rs587781591, gnomAD 0.006%). This variant has not been reported in the literature in individuals affected with BARD1-related conditions. ClinVar contains an entry for this variant (Variation ID: 141227). An algorithm developed to predict the effect of missense changes on protein structure and function outputs the following: PolyPhen-2: "Benign". The glutamine amino acid residue is found in multiple mammalian species, which suggests that this missense change does not adversely affect protein function. Experimental studies have shown that this missense change does not substantially affect BARD1 function (PMID: 26350354). In summary, the available evidence is currently insufficient to determine the role of this variant in disease. Therefore, it has been classified as a Variant of Uncertain Significance.

Baylor Genetics
Classification: Uncertain significance for Familial cancer of breast. Last evaluated: 2023-12-25. Review status: criteria provided, single submitter. Criteria: ACMG Guidelines, 2015. Collection method: clinical testing. Allele origin: unknown.

PreventionGenetics, part of Exact Sciences
Classification: Uncertain significance for BARD1-related condition. Last evaluated: 2023-05-23. Review status: criteria provided, single submitter. Criteria: ACMG Guidelines, 2015. Collection method: clinical testing. Allele origin: germline.
Comment: The BARD1 c.335G>A variant is predicted to result in the amino acid substitution p.Arg112Gln. This variant is reported to have homology directed repair activity similar to wildtype (Table 1, Lee et al. 2015. PubMed ID: 26350354). This variant is reported in 2 of ~251,000 alleles in gnomAD. It has conflicting interpretations of likely benign and uncertain significance in ClinVar. At this time, the clinical significance of this variant is uncertain due to the absence of conclusive functional and genetic evidence.

GeneDx
Classification: Uncertain significance. Last evaluated: 2023-01-18. Review status: criteria provided, single submitter. Criteria: GeneDx Variant Classification Process June 2021. Collection method: clinical testing. Allele origin: germline. Affected: yes.
Comment: Not observed at significant frequency in large population cohorts (gnomAD); In silico analysis supports that this missense variant does not alter protein structure/function; Published functional studies demonstrate homology-directed repair (HDR) activity comparable to wild type (Lee et al., 2015); This variant is associated with the following publications: (PMID: 14647430, 18480049, 26350354)

Color Diagnostics, LLC DBA Color Health
Classification: Uncertain significance for Hereditary cancer-predisposing syndrome. Last evaluated: 2021-05-17. Review status: criteria provided, single submitter. Criteria: ACMG Guidelines, 2015. Collection method: clinical testing. Allele origin: germline.
Comment: This missense variant replaces arginine with glutamine at codon 112 of the BARD1 protein. Computational prediction suggests that this variant may not impact protein structure and function (internally defined REVEL score threshold <= 0.5, PMID: 27666373). A functional study has shown that this variant protein exhibits homology directed repair activity similar to the wild-type protein in a cell-based assay (PMID: 26350354). To our knowledge, this variant has not been reported in individuals affected with hereditary cancer in the literature. This variant has been identified in 2/251086 chromosomes in the general population by the Genome Aggregation Database (gnomAD). The available evidence is insufficient to determine the role of this variant in disease conclusively. Therefore, this variant is classified as a Variant of Uncertain Significance.

Ambry Genetics
Classification: Likely benign for Hereditary cancer-predisposing syndrome. Last evaluated: 2019-02-07. Review status: criteria provided, single submitter. Criteria: Ambry Variant Classification Scheme 2023. Collection method: clinical testing. Allele origin: germline.

Women's Health and Genetics/Laboratory Corporation of America, LabCorp
Classification: Uncertain significance. Last evaluated: 2018-06-04. Review status: criteria provided, single submitter. Criteria: LabCorp Variant Classification Summary - May 2015. Collection method: clinical testing. Allele origin: germline.
Comment: Variant summary: BARD1 c.335G>A (p.Arg112Gln) results in a conservative amino acid change located in the RING domain of the encoded protein sequence (Lee_2015). Five of five in-silico tools predict a benign effect of the variant on protein function. The variant allele was found at a frequency of 8.1e-06 in 245880 control chromosomes (gnomAD). The available data on variant occurrences in the general population are insufficient to allow any conclusion about variant significance. To our knowledge, no occurrence of c.335G>A in individuals affected with Hereditary Breast and Ovarian Cancer has been reported. A co-occurrence with another pathogenic variant has been reported (BRCA2 c.8504C>A, p.Ser2835X) in an internal specimen, providing supporting evidence for a benign role. A publication, Lee_2015, functionally assessed the variant and found it to act comparable to wild-type for HDR activity. Two ClinVar submissions from clinical diagnostic laboratories (evaluation after 2014) cite the variant as likely benign or uncertain significance. Based on the evidence outlined above, the variant was classified as VUS-possibly benign.

Literature cited by the submitters: PubMed 26350354 (cited by 3 submitters).

NM_000465.4(BARD1):c.335G>A (p.Arg112Gln)

Gene: BARD1 (BRCA1 associated RING domain 1; minus strand). Cytogenetic location: 2q35.
Variant type: single nucleotide variant.
Coding change: c.335G>A on transcript NM_000465.4 (MANE Select); coding-DNA position 335, G replaced by A.
Protein change: p.Arg112Gln; replaces arginine 112 with glutamine.
Molecular consequence: missense variant. On other transcripts: non-coding transcript variant (1), intron variant (2).
Genome position (GRCh38, 1-based): chr2:214,792,326, C>T on the plus strand (G>A on the coding strand, the complement: BARD1 is on the minus strand). VCF-style: chr2-214792326-C-T. GRCh37 (hg19) VCF-style: chr2-215657050-C-T.
Other names: c.278G>A, p.Arg93Gln (NM_001282543.2); c.335G>A, p.Arg112Gln (NM_001282549.2); c.158+17086G>A (NM_001282548.2); c.215+4735G>A (NM_001282545.2); short protein forms R112Q, R93Q.
Identifiers: ClinVar variation 141227 (VCV000141227.22), dbSNP rs587781591, ClinGen allele CA164844.